The following is an entry in ClinVar:

ClinVar aggregate classification (germline): Likely pathogenic (1 of 4 stars; one submission).

Conditions:
3M syndrome 1. Also called: 3-M Syndrome, CUL7-Related. Identifiers: Orphanet 2616, MedGen C2678312, MONDO:0010117, OMIM 273750.

Submission:

Dubai Health Genomic Medicine Center, Dubai Health
Classification: Likely pathogenic for 3M syndrome 1. Last evaluated: 2024-10-04. Review status: criteria provided, single submitter. Criteria: ACMG Guidelines, 2015. Collection method: research. Allele origin: germline. Affected: yes.
Comment: PVS1,PM2

NM_014780.5(CUL7):c.4277_4278insG (p.Asn1427fs)

Gene: CUL7 (cullin 7; minus strand). Cytogenetic location: 6p21.1.
Variant type: Insertion.
Coding change: c.4277_4278insG on transcript NM_014780.5 (MANE Select); coding-DNA positions 4277 to 4278, G inserted.
Protein change: p.Asn1427fs; shifts the reading frame from asparagine 1427.
Molecular consequence: frameshift variant.
Genome position: GRCh38 VCF-style: chr6-43040172-G-GC. GRCh37 (hg19) VCF-style: chr6-43007910-G-GC.
Other names: c.4373_4374insG, p.Asn1459fs (NM_001168370.2, NM_001374872.1); c.4277_4278insG, p.Asn1427fs (NM_001374873.1); c.4274_4275insG, p.Asn1426fs (NM_001374874.1); short protein forms N1426fs, N1427fs, N1459fs.
Identifiers: ClinVar variation 3384102 (VCV003384102.1).
Genomic context (GRCh38, chr6:43,040,172, plus strand): 5'-CCCACCCTCTCCCCAGTCCCCAGTCCCTCTGCCTGGCTGCTCACTCTTGTTGTAGAAGTT[G>GC]GAGTATCTGTTCAAAGTGCCCCTCAGGTAGGAGGGCAGGCAGGTTCTGGGGTTCAGTGTG-3'